The following is an entry in ClinVar:

NM_000179.3(MSH6):c.968C>T (p.Thr323Ile)

Gene: MSH6 (mutS homolog 6; plus strand). Cytogenetic location: 2p16.3.
Variant type: single nucleotide variant.
Coding change: c.968C>T on transcript NM_000179.3 (MANE Select); coding-DNA position 968, C replaced by T.
Protein change: p.Thr323Ile; replaces threonine 323 with isoleucine.
Molecular consequence: missense variant.
Genome position (GRCh38, 1-based): chr2:47,798,951, C>T. VCF-style: chr2-47798951-C-T. GRCh37 (hg19) VCF-style: chr2-48026090-C-T.
Other names: c.578C>T, p.Thr193Ile (NM_001281492.2); c.62C>T, p.Thr21Ile (NM_001281493.2, NM_001281494.2); short protein forms T323I, T21I, T193I.
Identifiers: ClinVar variation 410445 (VCV000410445.22), dbSNP rs777890307, ClinGen allele CA073667.

ClinVar aggregate classification (germline): Likely benign. Review status: criteria provided, multiple submitters, no conflicts (2 of 4 stars). 4 submissions from 4 submitters: Likely benign (4). Last evaluated 2025-09-14.

Conditions:
Hereditary nonpolyposis colorectal neoplasms. Identifiers: MedGen C0009405, MeSH D003123.
Hereditary cancer-predisposing syndrome. Also called: Tumor predisposition; Hereditary Cancer Syndrome; Hereditary neoplastic syndrome; Neoplastic Syndromes, Hereditary. Identifiers: Orphanet 140162, MedGen C0027672, MeSH D009386, MONDO:0015356.
Lynch syndrome 5 (LYNCH5). Also called: Hereditary non-polyposis colorectal cancer, type 5; Colorectal cancer, hereditary nonpolyposis, type 5. Identifiers: Orphanet 144, MedGen C1833477, MONDO:0013710, OMIM 614350. Disease mechanism: loss of function.

Allele frequency attached by ClinVar (database versions not stated): gnomAD below 0.00001 and 0.00001; ExAC 0.00005.

Submissions (4):

Labcorp Genetics (formerly Invitae), Labcorp
Classification: Likely benign for Hereditary nonpolyposis colorectal neoplasms. Last evaluated: 2025-09-14. Review status: criteria provided, single submitter. Criteria: Invitae Variant Classification Sherloc (09022015). Collection method: clinical testing. Allele origin: germline.

Color Diagnostics, LLC DBA Color Health
Classification: Likely benign for Hereditary cancer-predisposing syndrome. Last evaluated: 2025-07-10. Review status: criteria provided, single submitter. Criteria: ACMG Guidelines, 2015. Collection method: clinical testing. Allele origin: germline.

Myriad Genetics, Inc.
Classification: Likely benign for Lynch syndrome 5. Last evaluated: 2024-03-14. Review status: criteria provided, single submitter. Criteria: Myriad Autosomal Dominant, Autosomal Recessive and X-Linked Classification Criteria (2023). Collection method: clinical testing. Allele origin: unknown.
Comment: This variant is considered likely benign. Homozygosity for this variant has been confirmed in one or more individuals lacking clinical features consistent with gene-specific recessive disease, indicating that this variant is unlikely to be pathogenic.

Ambry Genetics
Classification: Likely benign for Hereditary cancer-predisposing syndrome. Last evaluated: 2023-08-09. Review status: criteria provided, single submitter. Criteria: Ambry Variant Classification Scheme 2023. Collection method: clinical testing. Allele origin: germline.